The following is an entry in ClinVar:

ClinVar aggregate classification (germline): Pathogenic. Review status: criteria provided, multiple submitters, no conflicts (2 of 4 stars). 5 submissions from 5 submitters: Pathogenic (4). 1 of the submissions does not count toward it. Last evaluated 2025-03-05.

Conditions:
Glycine encephalopathy. Also called: Nonketotic hyperglycinemia; Non-ketotic hyperglycinemia. Identifiers: Orphanet 407, MedGen C0751748, MONDO:0011612, HP:0008288.
Glycine encephalopathy 1 (GCE1). Identifiers: MedGen CN376801, MONDO:0958179, OMIM 605899.

Allele frequency attached by ClinVar (database versions not stated): TOPMed below 0.00001; ExAC 0.00001; gnomAD 0.00001; 1000 Genomes Project 30x 0.00016; 1000 Genomes Project 0.00020.

Submissions (5):

Natera, Inc.
Classification: Pathogenic for Non-ketotic hyperglycinemia. Last evaluated: 2025-03-05. Review status: criteria provided, single submitter. Criteria: Natera Variant Classification Schema (03/2026). Collection method: clinical testing. Allele origin: germline.
Comment: The c.496C>T variant in AMT is a nonsense variant predicted to introduce a stop codon at amino acid 166. This variant is expected to result in nonsense mediated decay, truncation, or a dysfunctional protein product. This variant is rare in the general population with a frequency below the threshold expected for the associated phenotype(s). This variant has been observed in one or more individuals affected with the associated recessive disease, as either homozygous or compound heterozygous with a second variant (PMID: 27362913). Given the available evidence, this variant is classified as Pathogenic.

Labcorp Genetics (formerly Invitae), Labcorp
Classification: Pathogenic for Glycine encephalopathy. Last evaluated: 2024-02-11. Review status: criteria provided, single submitter. Criteria: Invitae Variant Classification Sherloc (09022015). Collection method: clinical testing. Allele origin: germline.
Comment: This sequence change creates a premature translational stop signal (p.Gln166*) in the AMT gene. It is expected to result in an absent or disrupted protein product. Loss-of-function variants in AMT are known to be pathogenic (PMID: 16450403). This variant is present in population databases (rs558998633, gnomAD 0.003%). This premature translational stop signal has been observed in individual(s) with nonketotic hyperglycinemia (PMID: 26179960). ClinVar contains an entry for this variant (Variation ID: 557617). Algorithms developed to predict the effect of sequence changes on RNA splicing suggest that this variant may disrupt the consensus splice site. For these reasons, this variant has been classified as Pathogenic.

3billion
Classification: Pathogenic for Glycine encephalopathy 1. Last evaluated: 2022-05-22. Review status: criteria provided, single submitter. Criteria: ACMG Guidelines, 2015. Collection method: clinical testing. Allele origin: germline. Affected: yes. Observed: 1 homozygote.
Comment: The variant is not observed in the gnomAD v2.1.1 dataset. Stop-gained (nonsense): predicted to result in a loss or disruption of normal protein function through nonsense-mediated decay (NMD) or protein truncation. Multiple pathogenic variants are reported downstream of the variant. The variant has been reported to be associated with AMT related disorder (ClinVar ID: VCV000557617 / PMID: 26179960). Therefore, this variant is classified as pathogenic according to the recommendation of ACMG/AMP guideline.

Baylor Genetics
Classification: Pathogenic for Glycine encephalopathy 1. Last evaluated: 2021-10-27. Review status: criteria provided, single submitter. Criteria: ACMG Guidelines, 2015. Collection method: clinical testing. Allele origin: unknown.

Counsyl
Classification: Likely pathogenic for Glycine encephalopathy 1. Last evaluated: 2018-04-03. Review status: no assertion criteria provided. Collection method: clinical testing. Allele origin: unknown. Not counted in ClinVar's aggregate classification.

Literature cited by the submitters: PubMed 27362913 (cited by Natera, Inc.); PubMed 16450403 (cited by Labcorp Genetics (formerly Invitae), Labcorp); PubMed 26179960 (cited by 3 submitters).

NM_000481.4(AMT):c.496C>T (p.Gln166Ter)

Gene: AMT (aminomethyltransferase; minus strand). Cytogenetic location: 3p21.31.
Variant type: single nucleotide variant.
Coding change: c.496C>T on transcript NM_000481.4 (MANE Select); coding-DNA position 496, C replaced by T.
Protein change: p.Gln166Ter; replaces glutamine 166 with a stop codon.
Molecular consequence: nonsense. On other transcripts: non-coding transcript variant (1).
Genome position (GRCh38, 1-based): chr3:49,419,764, G>A on the plus strand (C>T on the coding strand, the complement: AMT is on the minus strand). VCF-style: chr3-49419764-G-A. GRCh37 (hg19) VCF-style: chr3-49457197-G-A.
Other names: c.496C>T (NM_001164712.1); c.364C>T, p.Gln122Ter (NM_001164710.2); c.328C>T, p.Gln110Ter (NM_001164711.2); c.496C>T, p.Gln166Ter (NM_001164712.2); short protein forms Q166*, Q122*, Q110*.
Identifiers: ClinVar variation 557617 (VCV000557617.11), dbSNP rs558998633, ClinGen allele CA2398342.